The following is an entry in ClinVar:

NM_007186.6(CEP250):c.913A>T (p.Met305Leu)

Gene: CEP250 (centrosomal protein 250; plus strand). Cytogenetic location: 20q11.22.
Variant type: single nucleotide variant.
Coding change: c.913A>T on transcript NM_007186.6 (MANE Select); coding-DNA position 913, A replaced by T.
Protein change: p.Met305Leu; replaces methionine 305 with leucine.
Molecular consequence: missense variant. On other transcripts: 5 prime UTR variant (1).
Genome position (GRCh38, 1-based): chr20:35,469,951, A>T. VCF-style: chr20-35469951-A-T. GRCh37 (hg19) VCF-style: chr20-34057776-A-T.
Other names: c.-987A>T (NM_001318219.1); short protein forms M305L.
Identifiers: ClinVar variation 1989175 (VCV001989175.4), dbSNP rs146309487, ClinGen allele CA408758237.

ClinVar aggregate classification (germline): Uncertain significance (1 of 4 stars; one submission).

Submission:

Labcorp Genetics (formerly Invitae), Labcorp
Classification: Uncertain significance. Last evaluated: 2022-06-24. Review status: criteria provided, single submitter. Criteria: Invitae Variant Classification Sherloc (09022015). Collection method: clinical testing. Allele origin: germline.
Comment: This variant is not present in population databases (gnomAD no frequency). This sequence change replaces methionine, which is neutral and non-polar, with leucine, which is neutral and non-polar, at codon 305 of the CEP250 protein (p.Met305Leu). This variant has not been reported in the literature in individuals affected with CEP250-related conditions. In summary, the available evidence is currently insufficient to determine the role of this variant in disease. Therefore, it has been classified as a Variant of Uncertain Significance. Algorithms developed to predict the effect of missense changes on protein structure and function are either unavailable or do not agree on the potential impact of this missense change (SIFT: "Not Available"; PolyPhen-2: "Benign"; Align-GVGD: "Not Available").